The following is an entry in ClinVar:

ClinVar aggregate classification (germline): Uncertain significance (1 of 4 stars; one submission).

Conditions:
Tuberous sclerosis 1 (TSC1). Identifiers: Orphanet 805, MedGen C1854465, MONDO:0008612, OMIM 191100.

Submission:

Labcorp Genetics (formerly Invitae), Labcorp
Classification: Uncertain significance for Tuberous sclerosis 1. Last evaluated: 2023-09-11. Review status: criteria provided, single submitter. Criteria: Invitae Variant Classification Sherloc (09022015). Collection method: clinical testing. Allele origin: germline.
Comment: In summary, the available evidence is currently insufficient to determine the role of this variant in disease. Therefore, it has been classified as a Variant of Uncertain Significance. Advanced modeling of protein sequence and biophysical properties (such as structural, functional, and spatial information, amino acid conservation, physicochemical variation, residue mobility, and thermodynamic stability) performed at Invitae indicates that this missense variant is not expected to disrupt TSC1 protein function. This sequence change replaces serine, which is neutral and polar, with tyrosine, which is neutral and polar, at codon 237 of the TSC1 protein (p.Ser237Tyr). This variant is not present in population databases (gnomAD no frequency). This variant has not been reported in the literature in individuals affected with TSC1-related conditions.

NM_000368.5(TSC1):c.710C>A (p.Ser237Tyr)

Gene: TSC1 (TSC complex subunit 1; minus strand). Cytogenetic location: 9q34.13.
Variant type: single nucleotide variant.
Coding change: c.710C>A on transcript NM_000368.5 (MANE Select); coding-DNA position 710, C replaced by A.
Protein change: p.Ser237Tyr; replaces serine 237 with tyrosine.
Molecular consequence: missense variant. On other transcripts: 5 prime UTR variant (1), non-coding transcript variant (5), intron variant (4).
Genome position (GRCh38, 1-based): chr9:132,921,390, G>T on the plus strand (C>A on the coding strand, the complement: TSC1 is on the minus strand). VCF-style: chr9-132921390-G-T. GRCh37 (hg19) VCF-style: chr9-135796777-G-T.
Other names: c.347C>A, p.Ser116Tyr (NM_001406624.1, NM_001406625.1, NM_001362177.2 and 10 more transcripts); c.-384C>A (NM_001406630.1); c.-215+429C>A (NM_001406627.1, NM_001406628.1, NM_001406626.1); c.-357+429C>A (NM_001406629.1); c.710C>A, p.Ser237Tyr (NM_001162426.2, NM_001406592.1, NM_001406593.1 and 16 more transcripts); c.557C>A, p.Ser186Tyr (NM_001162427.2, NM_001406610.1, NM_001406611.1 and 2 more transcripts); short protein forms S237Y, S186Y, S116Y.
Identifiers: ClinVar variation 2956023 (VCV002956023.3), dbSNP rs2132135077, ClinGen allele CA375371321.